The following is an entry in ClinVar:

NM_032444.4(SLX4):c.1702G>A (p.Val568Met)

Gene: SLX4 (SLX4 structure-specific endonuclease subunit; minus strand). Cytogenetic location: 16p13.3.
Variant type: single nucleotide variant.
Coding change: c.1702G>A on transcript NM_032444.4 (MANE Select); coding-DNA position 1702, G replaced by A.
Protein change: p.Val568Met; replaces valine 568 with methionine.
Molecular consequence: missense variant.
Genome position (GRCh38, 1-based): chr16:3,596,375, C>T on the plus strand (G>A on the coding strand, the complement: SLX4 is on the minus strand). VCF-style: chr16-3596375-C-T. GRCh37 (hg19) VCF-style: chr16-3646376-C-T.
Other names: c.1702G>A (LRG_503t1); short protein forms V568M.
Identifiers: ClinVar variation 653251 (VCV000653251.10), dbSNP rs371825444, ClinGen allele CA7866432.

ClinVar aggregate classification (germline): Uncertain significance. Review status: criteria provided, single submitter (1 of 4 stars). 2 submissions from 2 submitters: Uncertain significance (1). 1 of the submissions does not count toward it. Last evaluated 2024-11-03.

Conditions:
Fanconi anemia (FA). Also called: Fanconi's anemia. Identifiers: Orphanet 84, MedGen C0015625, MeSH D005199, MONDO:0019391.

Allele frequency attached by ClinVar (database versions not stated): gnomAD exomes 0.00002; ExAC 0.00004; TOPMed 0.00005; gnomAD 0.00006; ESP Exome Variant Server 0.00008; 1000 Genomes Project 0.00020; 1000 Genomes Project 30x 0.00031.
gnomAD v4.1: 30 of 1,596,534 alleles (0.0019%); highest among the groups gnomAD compares: African/African-American, 0.0067%; no homozygotes.

Submissions (2):

Labcorp Genetics (formerly Invitae), Labcorp
Classification: Uncertain significance for Fanconi anemia. Last evaluated: 2024-11-03. Review status: criteria provided, single submitter. Criteria: Invitae Variant Classification Sherloc (09022015). Collection method: clinical testing. Allele origin: germline.
Comment: This sequence change replaces valine, which is neutral and non-polar, with methionine, which is neutral and non-polar, at codon 568 of the SLX4 protein (p.Val568Met). The frequency data for this variant in the population databases is considered unreliable, as metrics indicate poor data quality at this position in the gnomAD database. This variant has not been reported in the literature in individuals affected with SLX4-related conditions. ClinVar contains an entry for this variant (Variation ID: 653251). An algorithm developed to predict the effect of missense changes on protein structure and function outputs the following: PolyPhen-2: "Benign". The methionine amino acid residue is found in multiple mammalian species, which suggests that this missense change does not adversely affect protein function. In summary, the available evidence is currently insufficient to determine the role of this variant in disease. Therefore, it has been classified as a Variant of Uncertain Significance.

Leiden Open Variation Database
Classification: Likely benign. Last evaluated: 2012-08-31. Review status: no assertion criteria provided. Collection method: curation. Allele origin: germline. Affected: yes. Not counted in ClinVar's aggregate classification.
Comment: Curator: Arleen D. Auerbach. Submitter to LOVD: Janine Bakker.

Literature cited by the submitters: PubMed 22911665 (cited by Leiden Open Variation Database).